The following is an entry in ClinVar:

ClinVar aggregate classification (germline): Uncertain significance. Review status: criteria provided, multiple submitters, no conflicts (2 of 4 stars). 4 submissions from 4 submitters: Uncertain significance (4). Last evaluated 2024-08-11.

Conditions:
Inborn genetic diseases. Identifiers: MedGen C0950123, MeSH D030342.

Allele frequency attached by ClinVar (database versions not stated): ExAC 0.00002; gnomAD 0.00002 and 0.00003; gnomAD exomes 0.00002; TOPMed 0.00002.
gnomAD v4.1: 36 of 1,597,270 alleles (0.0023%); highest among the groups gnomAD compares: South Asian, 0.0033%; no homozygotes.

Submissions (4):

Ambry Genetics
Classification: Uncertain significance for Inborn genetic diseases. Last evaluated: 2024-08-11. Review status: criteria provided, single submitter. Criteria: Ambry Variant Classification Scheme 2023. Collection method: clinical testing. Allele origin: germline.

GeneDx
Classification: Uncertain significance. Last evaluated: 2023-11-11. Review status: criteria provided, single submitter. Criteria: GeneDx Variant Classification Process June 2021. Collection method: clinical testing. Allele origin: germline. Affected: yes.
Comment: Has not been previously published as pathogenic or benign to our knowledge; Not observed at significant frequency in large population cohorts (gnomAD); In silico analysis supports that this missense variant does not alter protein structure/function

Labcorp Genetics (formerly Invitae), Labcorp
Classification: Uncertain significance. Last evaluated: 2022-07-26. Review status: criteria provided, single submitter. Criteria: Invitae Variant Classification Sherloc (09022015). Collection method: clinical testing. Allele origin: germline.
Comment: This sequence change replaces threonine, which is neutral and polar, with methionine, which is neutral and non-polar, at codon 703 of the SZT2 protein (p.Thr703Met). This variant is present in population databases (rs759109477, gnomAD 0.003%). This variant has not been reported in the literature in individuals affected with SZT2-related conditions. ClinVar contains an entry for this variant (Variation ID: 841363). Algorithms developed to predict the effect of missense changes on protein structure and function are either unavailable or do not agree on the potential impact of this missense change (SIFT: "Deleterious"; PolyPhen-2: "Probably Damaging"; Align-GVGD: "Class C0"). In summary, the available evidence is currently insufficient to determine the role of this variant in disease. Therefore, it has been classified as a Variant of Uncertain Significance.

Blueprint Genetics
Classification: Uncertain significance. Last evaluated: 2022-01-28. Review status: criteria provided, single submitter. Criteria: ACMG Guidelines, 2015. Collection method: clinical testing. Allele origin: germline.

NM_001365999.1(SZT2):c.2108C>T (p.Thr703Met)

Gene: SZT2 (SZT2 subunit of KICSTOR complex; plus strand). Cytogenetic location: 1p34.2.
Variant type: single nucleotide variant.
Coding change: c.2108C>T on transcript NM_001365999.1 (MANE Select); coding-DNA position 2108, C replaced by T.
Protein change: p.Thr703Met; replaces threonine 703 with methionine.
Molecular consequence: missense variant.
Genome position (GRCh38, 1-based): chr1:43,423,169, C>T. VCF-style: chr1-43423169-C-T. GRCh37 (hg19) VCF-style: chr1-43888840-C-T.
Other names: c.2108C>T, p.Thr703Met (NM_015284.4); short protein forms T703M.
Identifiers: ClinVar variation 841363 (VCV000841363.9), dbSNP rs759109477, ClinGen allele CA808616.